The following is an entry in ClinVar:

NM_016169.4(SUFU):c.1201A>G (p.Thr401Ala)

Gene: SUFU (SUFU negative regulator of hedgehog signaling; plus strand). Cytogenetic location: 10q24.32.
Variant type: single nucleotide variant.
Coding change: c.1201A>G on transcript NM_016169.4 (MANE Select); coding-DNA position 1201, A replaced by G.
Protein change: p.Thr401Ala; replaces threonine 401 with alanine.
Molecular consequence: missense variant.
Genome position (GRCh38, 1-based): chr10:102,617,333, A>G. VCF-style: chr10-102617333-A-G. GRCh37 (hg19) VCF-style: chr10-104377090-A-G.
Other names: c.1201A>G, p.Thr401Ala (NM_001178133.2); short protein forms T401A.
Identifiers: ClinVar variation 3963861 (VCV003963861.1).

ClinVar aggregate classification (germline): Uncertain significance (1 of 4 stars; one submission).

Conditions:
Hereditary cancer-predisposing syndrome. Also called: Tumor predisposition; Hereditary neoplastic syndrome; Hereditary Cancer Syndrome; Neoplastic Syndromes, Hereditary. Identifiers: Orphanet 140162, MedGen C0027672, MeSH D009386, MONDO:0015356.

Submission:

Ambry Genetics
Classification: Uncertain significance for Hereditary cancer-predisposing syndrome. Last evaluated: 2025-04-06. Review status: criteria provided, single submitter. Criteria: Ambry Variant Classification Scheme 2023. Collection method: clinical testing. Allele origin: germline.
Comment: The p.T401A variant (also known as c.1201A>G), located in coding exon 10 of the SUFU gene, results from an A to G substitution at nucleotide position 1201. The threonine at codon 401 is replaced by alanine, an amino acid with similar properties. This amino acid position is conserved. In addition, this alteration is predicted to be tolerated by in silico analysis. Based on the available evidence, the clinical significance of this variant remains unclear.